The following is an entry in ClinVar:

ClinVar aggregate classification (germline): Benign. Review status: reviewed by expert panel (3 of 4 stars). 3 submissions from 3 submitters: Benign (1). 2 of the submissions do not count toward it. Last evaluated 2026-04-23.

Conditions:
Pitt-Hopkins syndrome (PTHS). Also called: ENCEPHALOPATHY, SEVERE EPILEPTIC, WITH AUTONOMIC DYSFUNCTION; MENTAL RETARDATION, SYNDROMAL, WITH INTERMITTENT HYPERVENTILATION. Identifiers: Orphanet 2896, MedGen C1970431, MONDO:0012589, OMIM 610954.

Allele frequency attached by ClinVar (database versions not stated): 1000 Genomes Project 0.00020; TOPMed 0.00089; gnomAD 0.00097 and 0.00103.

Submissions (3):

ClinGen Rett and Angelman-like Disorders Variant Curation Expert Panel
Classification: Benign for Pitt-Hopkins syndrome. Last evaluated: 2026-04-23. Review status: reviewed by expert panel. Criteria: ClinGen RettAS ACMG Specifications TCF4 V5.0.0. Collection method: curation. Allele origin: germline. Inheritance: Autosomal dominant inheritance.
Comment: The highest population minor allele frequency of the c.*1763C>A variant in TCF4 in gnomAD v4.1.1 is 0.0018 in the Non-Finnish European population, which is higher than the ClinGen Rett and Angelman-like Disorders VCEP threshold (≥0.000083) for BA1, and therefore meets this criterion (BA1). The c.*1763C>A variant in TCF4 is therefore classified as benign based on the ACMG/AMP criteria (BA1). (TCF4 Specifications v5.0; curation approved on 4/23/2026)

CeGaT Center for Human Genetics Tuebingen
Classification: Benign. Last evaluated: 2022-05-01. Review status: criteria provided, single submitter. Criteria: CeGaT Center For Human Genetics Tuebingen Variant Classification Criteria Version 2. Collection method: clinical testing. Allele origin: germline. Affected: yes. Observed: 1 variant allele. Not counted in ClinVar's aggregate classification.
Comment: TCF4: BS1, BS2

Illumina Laboratory Services, Illumina
Classification: Uncertain significance for Pitt-Hopkins syndrome. Last evaluated: 2018-01-13. Review status: criteria provided, single submitter. Criteria: ICSL Variant Classification Criteria 13 December 2019. Collection method: clinical testing. Allele origin: germline. Not counted in ClinVar's aggregate classification.

NM_001083962.2(TCF4):c.*1763C>A

Gene: TCF4 (transcription factor 4; minus strand). Cytogenetic location: 18q21.2.
Variant type: single nucleotide variant.
Coding change: c.*1763C>A on transcript NM_001083962.2 (MANE Select); 1763 bases downstream of the stop codon, C replaced by A.
Molecular consequence: 3 prime UTR variant.
Genome position (GRCh38, 1-based): chr18:55,226,272, G>T on the plus strand (C>A on the coding strand, the complement: TCF4 is on the minus strand). VCF-style: chr18-55226272-G-T. GRCh37 (hg19) VCF-style: chr18-52893503-G-T.
Other names: c.*1763C>A (NM_001243226.3, NM_001243227.2, NM_001243228.2 and 42 more transcripts).
Identifiers: ClinVar variation 327284 (VCV000327284.30), dbSNP rs556687934, ClinGen allele CA10647854.